The following is an entry in ClinVar:

NM_000038.6(APC):c.518dup (p.Leu174fs)

Gene: APC (APC regulator of Wnt signaling pathway; plus strand). Cytogenetic location: 5q22.2.
Variant type: Duplication.
Coding change: c.518dup on transcript NM_000038.6 (MANE Select); coding-DNA position 518, one base duplicated (C; older notation c.518dupC).
Protein change: p.Leu174fs; shifts the reading frame from leucine 174.
Molecular consequence: frameshift variant. On other transcripts: 5 prime UTR variant (1).
Genome position (GRCh38, 1-based): chr5:112,775,724, C duplicated; the last of 2 consecutive C bases (chr5:112,775,723-112,775,724); duplicating either gives the same sequence. VCF-style (leftmost placement, unchanged base first): chr5-112775722-T-TC. GRCh37 (hg19) VCF-style: chr5-112111419-T-TC.
Other names: c.518dup, p.Leu174fs (NM_001127510.3, NM_001354895.2, NM_001354896.2 and 2 more transcripts); c.548dup, p.Leu184fs (NM_001127511.3, NM_001354897.2, NM_001354902.2); c.443dup, p.Leu149fs (NM_001354898.2, NM_001354904.2); c.341dup, p.Leu115fs (NM_001354900.2, NM_001354901.2, NM_001354905.2); c.-518dup (NM_001354906.2, NM_001407470.1, NM_001407471.1 and 1 more transcripts); c.548dup, p.Leu184Phefs (NM_001407446.1); c.518dup, p.Leu174Phefs (NM_001407447.1, NM_001407448.1, NM_001407449.1 and 11 more transcripts); c.443dup, p.Leu149Phefs (NM_001407451.1); and 1 more; short protein forms L184fs, L115fs, L149fs, L174fs.
Identifiers: ClinVar variation 1994229 (VCV001994229.4), dbSNP rs2532416567, ClinGen allele CA2580072308.

ClinVar aggregate classification (germline): Pathogenic (1 of 4 stars; one submission).

Conditions:
Familial adenomatous polyposis 1 (FAP1). Also called: POLYPOSIS, ADENOMATOUS INTESTINAL; FAMILIAL ADENOMATOUS POLYPOSIS 1, ATTENUATED. Identifiers: MedGen C2713442, MONDO:0021056, OMIM 175100. Disease mechanism: loss of function.

Submission:

Labcorp Genetics (formerly Invitae), Labcorp
Classification: Pathogenic for Familial adenomatous polyposis 1. Last evaluated: 2022-05-14. Review status: criteria provided, single submitter. Criteria: Invitae Variant Classification Sherloc (09022015). Collection method: clinical testing. Allele origin: germline.
Comment: For these reasons, this variant has been classified as Pathogenic. Algorithms developed to predict the effect of sequence changes on RNA splicing suggest that this variant may disrupt the consensus splice site. This variant has not been reported in the literature in individuals affected with APC-related conditions. This variant is not present in population databases (gnomAD no frequency). This sequence change creates a premature translational stop signal (p.Leu174Phefs*3) in the APC gene. It is expected to result in an absent or disrupted protein product. Loss-of-function variants in APC are known to be pathogenic (PMID: 17963004, 20685668).

Literature cited by the submitters: PubMed 17963004; PubMed 20685668.